The following is an entry in ClinVar:

NM_001792.5(CDH2):c.172+6A>G

Gene: CDH2 (cadherin 2; minus strand). Cytogenetic location: 18q12.1.
Variant type: single nucleotide variant.
Coding change: c.172+6A>G on transcript NM_001792.5 (MANE Select); 6 bases into the intron after coding-DNA position 172, A replaced by G.
Molecular consequence: intron variant.
Genome position (GRCh38, 1-based): chr18:28,147,667, T>C on the plus strand (A>G on the coding strand, the complement: CDH2 is on the minus strand). VCF-style: chr18-28147667-T-C. GRCh37 (hg19) VCF-style: chr18-25727631-T-C.
Identifiers: ClinVar variation 2820932 (VCV002820932.4), dbSNP rs188251941, ClinGen allele CA8923822.
Genomic context (GRCh38, chr18:28,147,667, plus strand): 5'-TTTAATGGCTAATTTGTTTCATGAGCATGGACACTGCATGTACAAATATATCTTTTGAGA[T>C]AGTACCATTGAGAAGAGGCTGTCCTTCATGCACATCCTTCGATAAGACTGCACTGTAAAC-3'

ClinVar aggregate classification (germline): Conflicting classifications of pathogenicity. Review status: criteria provided, conflicting classifications (1 of 4 stars). 2 submissions from 2 submitters: Uncertain significance (1); Likely benign (1). Last evaluated 2025-04-09.

gnomAD v4.1: 15 of 1,528,472 alleles (0.00098%); highest among the groups gnomAD compares: South Asian, 0.0034%; 1 homozygote.

Submissions (2):

Molecular Diagnostic Laboratory for Inherited Cardiovascular Disease, Montreal Heart Institute
Classification: Likely benign. Last evaluated: 2025-04-09. Review status: criteria provided, single submitter. Criteria: ACMG Guidelines, 2015. Collection method: clinical testing. Allele origin: germline. Affected: no.
Comment: PM2

Labcorp Genetics (formerly Invitae), Labcorp
Classification: Uncertain significance. Last evaluated: 2025-01-15. Review status: criteria provided, single submitter. Criteria: Invitae Variant Classification Sherloc (09022015). Collection method: clinical testing. Allele origin: germline.
Comment: This sequence change falls in intron 2 of the CDH2 gene. It does not directly change the encoded amino acid sequence of the CDH2 protein. It affects a nucleotide within the consensus splice site. This variant is present in population databases (rs188251941, gnomAD 0.01%), including at least one homozygous and/or hemizygous individual. This variant has not been reported in the literature in individuals affected with CDH2-related conditions. ClinVar contains an entry for this variant (Variation ID: 2820932). Variants that disrupt the consensus splice site are a relatively common cause of aberrant splicing (PMID: 17576681, 9536098). Algorithms developed to predict the effect of sequence changes on RNA splicing suggest that this variant is not likely to affect RNA splicing. In summary, the available evidence is currently insufficient to determine the role of this variant in disease. Therefore, it has been classified as a Variant of Uncertain Significance.

Literature cited by the submitters: PubMed 17576681 (cited by Labcorp Genetics (formerly Invitae), Labcorp); PubMed 9536098 (cited by Labcorp Genetics (formerly Invitae), Labcorp).